The following is an entry in ClinVar:

ClinVar aggregate classification (germline): Uncertain significance (1 of 4 stars; one submission).

Conditions:
Spastic paraplegia. Identifiers: MedGen C0037772, HP:0001258.

Allele frequency attached by ClinVar (database versions not stated): gnomAD 0.00001; gnomAD exomes 0.00001; TOPMed 0.00002.
gnomAD v4.1: 17 of 1,614,024 alleles (0.0011%); highest among the groups gnomAD compares: Non-Finnish European, 0.0014%; no homozygotes.

Submission:

Labcorp Genetics (formerly Invitae), Labcorp
Classification: Uncertain significance for Spastic paraplegia. Last evaluated: 2023-08-11. Review status: criteria provided, single submitter. Criteria: Invitae Variant Classification Sherloc (09022015). Collection method: clinical testing. Allele origin: germline.
Comment: In summary, the available evidence is currently insufficient to determine the role of this variant in disease. Therefore, it has been classified as a Variant of Uncertain Significance. Advanced modeling of protein sequence and biophysical properties (such as structural, functional, and spatial information, amino acid conservation, physicochemical variation, residue mobility, and thermodynamic stability) performed at Invitae indicates that this missense variant is not expected to disrupt HSPD1 protein function. ClinVar contains an entry for this variant (Variation ID: 1385017). This variant has not been reported in the literature in individuals affected with HSPD1-related conditions. This variant is present in population databases (no rsID available, gnomAD 0.002%). This sequence change replaces glutamic acid, which is acidic and polar, with lysine, which is basic and polar, at codon 335 of the HSPD1 protein (p.Glu335Lys).

NM_002156.5(HSPD1):c.1003G>A (p.Glu335Lys)

Gene: HSPD1 (heat shock protein family D (Hsp60) member 1; minus strand). Cytogenetic location: 2q33.1.
Variant type: single nucleotide variant.
Coding change: c.1003G>A on transcript NM_002156.5 (MANE Select); coding-DNA position 1003, G replaced by A.
Protein change: p.Glu335Lys; replaces glutamic acid 335 with lysine.
Molecular consequence: missense variant.
Genome position (GRCh38, 1-based): chr2:197,489,214, C>T on the plus strand (G>A on the coding strand, the complement: HSPD1 is on the minus strand). VCF-style: chr2-197489214-C-T. GRCh37 (hg19) VCF-style: chr2-198353938-C-T.
Other names: c.1003G>A, p.Glu335Lys (NM_199440.2); short protein forms E335K.
Identifiers: ClinVar variation 1385017 (VCV001385017.8), dbSNP rs1211601466, ClinGen allele CA350199927.
Genomic context (GRCh38, chr2:197,489,214, plus strand): 5'-CATCGTCTTTGGTCACAATGACCTCTCCAACTTTTCCTAAGTCATGAGGCTGAACGTCTT[C>T]AAGATTCAGGGTCAATCCCTCTTCTCCAAACACCTACAAAAAGAGTTAAACGTAAACCTG-3'
Protein context (NP_002147.2, residues 325-345): FGEEGLTLNL[Glu335Lys]DVQPHDLGKV